The following is an entry in ClinVar:

NM_001267550.2(TTN):c.75081G>A (p.Trp25027Ter)

Genes: TTN-AS1 (TTN antisense RNA 1; plus strand), TTN (titin; minus strand). Cytogenetic location: 2q31.2.
Variant type: single nucleotide variant.
Coding change: c.75081G>A on transcript NM_001267550.2 (MANE Select); coding-DNA position 75081, G replaced by A.
Protein change: p.Trp25027Ter; replaces tryptophan 25027 with a stop codon.
Molecular consequence: nonsense.
Genome position (GRCh38, 1-based): chr2:178,571,051, C>T on the plus strand (G>A on the coding strand, the complement: TTN is on the minus strand). VCF-style: chr2-178571051-C-T. GRCh37 (hg19) VCF-style: chr2-179435778-C-T.
Other names: c.70158G>A, p.Trp23386Ter (NM_001256850.1); c.47886G>A, p.Trp15962Ter (NM_003319.4); c.67377G>A, p.Trp22459Ter (NM_133378.4); c.48261G>A, p.Trp16087Ter (NM_133432.3); c.48462G>A, p.Trp16154Ter (NM_133437.4); short protein forms W23386*, W25027*, W22459*, W16154*, W15962*, W16087*.
Identifiers: ClinVar variation 421131 (VCV000421131.3), dbSNP rs1064794930, ClinGen allele CA16617352.

ClinVar aggregate classification (germline): Likely pathogenic. Review status: criteria provided, multiple submitters, no conflicts (2 of 4 stars). 2 submissions from 2 submitters: Likely pathogenic (2). Last evaluated 2026-01-26.

Conditions:
Dilated cardiomyopathy 1G (CMD1G). Identifiers: Orphanet 154, MedGen C1858763, MONDO:0011400, OMIM 604145.
Autosomal recessive limb-girdle muscular dystrophy type 2J (LGMDR10). Also called: Limb-girdle muscular dystrophy, type 2J; MUSCULAR DYSTROPHY, LIMB-GIRDLE, AUTOSOMAL RECESSIVE 10. Identifiers: Orphanet 140922, MedGen C1837342, MONDO:0012127, OMIM 608807.

Submissions (2):

Labcorp Genetics (formerly Invitae), Labcorp
Classification: Likely pathogenic for Dilated cardiomyopathy 1G; Autosomal recessive limb-girdle muscular dystrophy type 2J. Last evaluated: 2026-01-26. Review status: criteria provided, single submitter. Criteria: Invitae Variant Classification Sherloc (09022015). Collection method: clinical testing. Allele origin: germline.
Comment: This sequence change creates a premature translational stop signal (p.Trp25027*) in the TTN gene. While this is not anticipated to result in nonsense mediated decay, it is expected to create a truncated TTN protein. This variant is not present in population databases (gnomAD no frequency). This variant has not been reported in the literature in individuals affected with TTN-related conditions. ClinVar contains an entry for this variant (Variation ID: 421131). This variant is located in the A band of TTN (PMID: 25589632). Truncating variants in this region are significantly overrepresented in patients affected with dilated cardiomyopathy (PMID: 25589632). Truncating variants in this region have also been reported in individuals affected with autosomal recessive centronuclear myopathy (PMID: 23975875). In summary, the currently available evidence indicates that the variant is pathogenic, but additional data are needed to prove that conclusively. Therefore, this variant has been classified as Likely Pathogenic.

GeneDx
Classification: Likely pathogenic. Last evaluated: 2016-05-09. Review status: criteria provided, single submitter. Criteria: GeneDx Variant Classification (06012015). Collection method: clinical testing. Allele origin: germline. Affected: yes.
Comment: The W23386X variant has not been published as a pathogenic variant, nor has it been reported as a benign variant to our knowledge. W23386X is predicted to cause loss of normal protein function either due to production of an abnormal, prematurely truncated protein, or by absence of protein product due to nonsense mediated mRNA decay. Other truncating TTN variants have been reported in approximately 3% of control alleles (Herman et al., 2012). However, W23386X is located in the A-band region of titin, where the majority of truncating pathogenic variants associated with DCM have been reported (Herman et al., 2012). Furthermore, W23386X was not observed in approximately 6,100 individuals of European and African American ancestry in the NHLBI Exome Sequencing Project, indicating it is not a common benign variant in these populations. In summary, W23386X in the TTN gene is expected to be pathogenic, however the possibility it may be a rare benign variant cannot be excluded.

Literature cited by the submitters: PubMed 25589632 (cited by Labcorp Genetics (formerly Invitae), Labcorp); PubMed 23975875 (cited by Labcorp Genetics (formerly Invitae), Labcorp).